The following is an entry in ClinVar:

ClinVar aggregate classification (germline): Uncertain significance (1 of 4 stars; one submission).

Conditions:
Ichthyosis linearis circumflexa. Identifiers: MedGen C0265962, MONDO:0043106, HP:0025810.

Submission:

Labcorp Genetics (formerly Invitae), Labcorp
Classification: Uncertain significance for Ichthyosis linearis circumflexa. Last evaluated: 2023-10-03. Review status: criteria provided, single submitter. Criteria: Invitae Variant Classification Sherloc (09022015). Collection method: clinical testing. Allele origin: germline.
Comment: This sequence change replaces proline, which is neutral and non-polar, with histidine, which is basic and polar, at codon 794 of the SPINK5 protein (p.Pro794His). This variant is not present in population databases (gnomAD no frequency). This variant has not been reported in the literature in individuals affected with SPINK5-related conditions. ClinVar contains an entry for this variant (Variation ID: 2088025). Advanced modeling of protein sequence and biophysical properties (such as structural, functional, and spatial information, amino acid conservation, physicochemical variation, residue mobility, and thermodynamic stability) has been performed at Invitae for this missense variant, however the output from this modeling did not meet the statistical confidence thresholds required to predict the impact of this variant on SPINK5 protein function. In summary, the available evidence is currently insufficient to determine the role of this variant in disease. Therefore, it has been classified as a Variant of Uncertain Significance.

NM_006846.4(SPINK5):c.2381C>A (p.Pro794His)

Gene: SPINK5 (serine peptidase inhibitor Kazal type 5; plus strand). Cytogenetic location: 5q32.
Variant type: single nucleotide variant.
Coding change: c.2381C>A on transcript NM_006846.4 (MANE Select); coding-DNA position 2381, C replaced by A.
Protein change: p.Pro794His; replaces proline 794 with histidine.
Molecular consequence: missense variant.
Genome position (GRCh38, 1-based): chr5:148,120,076, C>A. VCF-style: chr5-148120076-C-A. GRCh37 (hg19) VCF-style: chr5-147499639-C-A.
Other names: c.2381C>A, p.Pro794His (NM_001127698.2, NM_001127699.2); short protein forms P794H.
Identifiers: ClinVar variation 2088025 (VCV002088025.4), dbSNP rs2531787455, ClinGen allele CA361646289.
Genomic context (GRCh38, chr5:148,120,076, plus strand): 5'-GTGATGAGTTTAGAAGCCAAATGAAAAATGGAAAACTCATCTGCACTCGAGAAAGTGACC[C>A]TGTCCGGGGTCCAGATGGCAAGACACATGGCAATAAGTGTACTATGTGTAAGGAAAAACT-3'
Protein context (NP_006837.2, residues 784-804): GKLICTRESD[Pro794His]VRGPDGKTHG